The following is an entry in ClinVar:

ClinVar aggregate classification (germline): Conflicting classifications of pathogenicity. Review status: criteria provided, conflicting classifications (1 of 4 stars). 10 submissions from 10 submitters: Uncertain significance (2); Benign (1); Likely benign (4). 3 of the submissions do not count toward it. Last evaluated 2026-01-01.

Conditions:
LAMA1-related disorder. Also called: LAMA1-related condition; LAMA1-related disorders.
Inborn genetic diseases. Identifiers: MedGen C0950123, MeSH D030342.

Allele frequency attached by ClinVar (database versions not stated): 1000 Genomes Project 30x 0.00016; 1000 Genomes Project 0.00020; ExAC 0.00075; gnomAD exomes 0.00083 and 0.00193; TOPMed 0.00120; gnomAD 0.00123 and 0.00128; ESP Exome Variant Server 0.00131.
gnomAD v4.1: 2,998 of 1,614,238 alleles (0.19%); highest among the groups gnomAD compares: Non-Finnish European, 0.23%; 5 homozygotes.

Submissions (10):

CeGaT Center for Human Genetics Tuebingen
Classification: Likely benign. Last evaluated: 2026-01-01. Review status: criteria provided, single submitter. Criteria: CeGaT Center For Human Genetics Tuebingen Variant Classification Criteria Version 2. Collection method: clinical testing. Allele origin: germline. Affected: yes. Observed: 6 variant alleles.
Comment: LAMA1: BP4, BS2

Labcorp Genetics (formerly Invitae), Labcorp
Classification: Likely benign. Last evaluated: 2025-10-01. Review status: criteria provided, single submitter. Criteria: Invitae Variant Classification Sherloc (09022015). Collection method: clinical testing. Allele origin: germline.

Mayo Clinic Laboratories, Mayo Clinic
Classification: Benign. Last evaluated: 2024-12-24. Review status: criteria provided, single submitter. Criteria: ACMG Guidelines, 2015. Collection method: clinical testing. Allele origin: germline. Observed: 4 variant alleles.
Comment: BS1, BS2, BP4

Blueprint Genetics
Classification: Likely benign. Last evaluated: 2024-10-09. Review status: criteria provided, single submitter. Criteria: ACMG Guidelines, 2015. Collection method: clinical testing. Allele origin: germline.

GeneDx
Classification: Uncertain significance. Last evaluated: 2021-09-17. Review status: criteria provided, single submitter. Criteria: GeneDx Variant Classification Process June 2021. Collection method: clinical testing. Allele origin: germline. Affected: yes.
Comment: In silico analysis supports that this missense variant does not alter protein structure/function; Has not been previously published as pathogenic or benign to our knowledge

Ambry Genetics
Classification: Likely benign for Inborn genetic diseases. Last evaluated: 2021-07-14. Review status: criteria provided, single submitter. Criteria: Ambry Variant Classification Scheme 2023. Collection method: clinical testing. Allele origin: germline.

Center for Pediatric Genomic Medicine, Children's Mercy Hospital and Clinics
Classification: Uncertain significance. Last evaluated: 2016-02-01. Review status: criteria provided, single submitter. Criteria: ACMG Guidelines, 2015. Collection method: clinical testing. Allele origin: germline.
ClinVar note: Converted during submission from Uncertain Significance to Uncertain significance.

PreventionGenetics, part of Exact Sciences
Classification: Likely benign for LAMA1-related condition. Last evaluated: 2023-04-06. Review status: no assertion criteria provided. Collection method: clinical testing. Allele origin: germline. Not counted in ClinVar's aggregate classification.
Comment: This variant is classified as likely benign based on ACMG/AMP sequence variant interpretation guidelines (Richards et al. 2015 PMID: 25741868, with internal and published modifications).

Clinical Genetics DNA and cytogenetics Diagnostics Lab, Erasmus MC, Erasmus Medical Center
Classification: Likely benign. Review status: no assertion criteria provided. Collection method: clinical testing. Allele origin: germline. Affected: yes. Study: VKGL Data-share Consensus. Not counted in ClinVar's aggregate classification.

Laboratory of Diagnostic Genome Analysis, Leiden University Medical Center (LUMC)
Classification: Likely benign. Review status: no assertion criteria provided. Collection method: clinical testing. Allele origin: germline. Affected: yes. Study: VKGL Data-share Consensus. Not counted in ClinVar's aggregate classification.

NM_005559.4(LAMA1):c.181G>A (p.Val61Ile)

Gene: LAMA1 (laminin subunit alpha 1; minus strand). Cytogenetic location: 18p11.31.
Variant type: single nucleotide variant.
Coding change: c.181G>A on transcript NM_005559.4 (MANE Select); coding-DNA position 181, G replaced by A.
Protein change: p.Val61Ile; replaces valine 61 with isoleucine.
Molecular consequence: missense variant.
Genome position (GRCh38, 1-based): chr18:7,080,338, C>T on the plus strand (G>A on the coding strand, the complement: LAMA1 is on the minus strand). VCF-style: chr18-7080338-C-T. GRCh37 (hg19) VCF-style: chr18-7080337-C-T.
Other names: p.Val61Ile; short protein forms V61I.
Identifiers: ClinVar variation 235519 (VCV000235519.42), dbSNP rs147676957, ClinGen allele CA8883394.
Genomic context (GRCh38, chr18:7,080,338, plus strand): 5'-GACACTTGCCTCTGGGGTTTGCGCTGTTGCCATCACAGATCCGGCACTGTGGGTTTCGGA[C>T]GGGCCGACCTGGCACATGCTCCACAAGTTTGCAGAACATCTCCGGCCCCTTCTCGCCACA-3'
Protein context (NP_005550.2, residues 51-71): KLVEHVPGRP[Val61Ile]RNPQCRICDG